The following is an entry in ClinVar:

ClinVar aggregate classification (germline): Uncertain significance (1 of 4 stars; one submission).

Allele frequency attached by ClinVar (database versions not stated): gnomAD exomes below 0.00001; TOPMed 0.00003.
gnomAD v4.1: 2 of 1,613,254 alleles (0.00012%); highest among the groups gnomAD compares: Admixed American, 0.0017%; no homozygotes.

Submission:

Labcorp Genetics (formerly Invitae), Labcorp
Classification: Uncertain significance. Last evaluated: 2024-10-17. Review status: criteria provided, single submitter. Criteria: Invitae Variant Classification Sherloc (09022015). Collection method: clinical testing. Allele origin: germline.
Comment: This sequence change replaces alanine, which is neutral and non-polar, with glycine, which is neutral and non-polar, at codon 393 of the SRP54 protein (p.Ala393Gly). This variant is not present in population databases (gnomAD no frequency). This variant has not been reported in the literature in individuals affected with SRP54-related conditions. An algorithm developed to predict the effect of missense changes on protein structure and function (PolyPhen-2) suggests that this variant is likely to be tolerated. In summary, the available evidence is currently insufficient to determine the role of this variant in disease. Therefore, it has been classified as a Variant of Uncertain Significance.

NM_003136.4(SRP54):c.1178C>G (p.Ala393Gly)

Gene: SRP54 (signal recognition particle 54; plus strand). Cytogenetic location: 14q13.2.
Variant type: single nucleotide variant.
Coding change: c.1178C>G on transcript NM_003136.4 (MANE Select); coding-DNA position 1178, C replaced by G.
Protein change: p.Ala393Gly; replaces alanine 393 with glycine.
Molecular consequence: missense variant. On other transcripts: intron variant (1).
Genome position (GRCh38, 1-based): chr14:35,022,931, C>G. VCF-style: chr14-35022931-C-G. GRCh37 (hg19) VCF-style: chr14-35492137-C-G.
Other names: c.1031C>G, p.Ala344Gly (NM_001146282.2); c.1156+3857C>G (NM_001411017.1); short protein forms A344G, A393G.
Identifiers: ClinVar variation 2955917 (VCV002955917.3), dbSNP rs2044558210, ClinGen allele CA389448095.